The following is an entry in ClinVar:

NM_001082486.2(ACD):c.623C>G (p.Ala208Gly)

Gene: ACD (ACD shelterin complex subunit and telomerase recruitment factor; minus strand). Cytogenetic location: 16q22.1.
Variant type: single nucleotide variant.
Coding change: c.623C>G on transcript NM_001082486.2 (MANE Select); coding-DNA position 623, C replaced by G.
Protein change: p.Ala208Gly; replaces alanine 208 with glycine.
Molecular consequence: missense variant.
Genome position (GRCh38, 1-based): chr16:67,658,950, G>C on the plus strand (C>G on the coding strand, the complement: ACD is on the minus strand). VCF-style: chr16-67658950-G-C. GRCh37 (hg19) VCF-style: chr16-67692853-G-C.
Other names: c.623C>G, p.Ala208Gly (NM_001410884.1); c.614C>G, p.Ala205Gly (NM_022914.3); short protein forms A208G, A205G.
Identifiers: ClinVar variation 3480474 (VCV003480474.1).

ClinVar aggregate classification (germline): Uncertain significance (1 of 4 stars; one submission).

Conditions:
Inborn genetic diseases. Identifiers: MedGen C0950123, MeSH D030342.

Submission:

Ambry Genetics
Classification: Uncertain significance for Inborn genetic diseases. Last evaluated: 2024-10-21. Review status: criteria provided, single submitter. Criteria: Ambry Variant Classification Scheme 2023. Collection method: clinical testing. Allele origin: germline.
Comment: The p.A294G variant (also known as c.881C>G), located in coding exon 7 of the ACD gene, results from a C to G substitution at nucleotide position 881. The alanine at codon 294 is replaced by glycine, an amino acid with similar properties. This amino acid position is conserved. In addition, this alteration is predicted to be tolerated by in silico analysis. Based on the available evidence, the clinical significance of this variant remains unclear.